The following is an entry in ClinVar:

ClinVar aggregate classification (germline): Uncertain significance (1 of 4 stars; one submission).

Submission:

Ambry Genetics
Classification: Uncertain significance. Last evaluated: 2026-04-20. Review status: criteria provided, single submitter. Criteria: Ambry Variant Classification Scheme 2023. Collection method: clinical testing. Allele origin: germline.
Comment: The p.G243V variant (also known as c.728G>T), located in coding exon 1 of the CDK12 gene, results from a G to T substitution at nucleotide position 728. The glycine at codon 243 is replaced by valine, an amino acid with dissimilar properties. This amino acid position is conserved. In addition, this alteration is predicted to be tolerated by in silico analysis. Based on the available evidence, the clinical significance of this variant remains unclear.

NM_016507.4(CDK12):c.728G>T (p.Gly243Val)

Genes: CDK12 (cyclin dependent kinase 12; plus strand), LOC126862553 (CDK7 strongly-dependent group 2 enhancer GRCh37_chr17:37618166-37619365; plus strand). Cytogenetic location: 17q12.
Variant type: single nucleotide variant.
Coding change: c.728G>T on transcript NM_016507.4 (MANE Select); coding-DNA position 728, G replaced by T.
Protein change: p.Gly243Val; replaces glycine 243 with valine.
Molecular consequence: missense variant.
Genome position (GRCh38, 1-based): chr17:39,462,799, G>T. VCF-style: chr17-39462799-G-T. GRCh37 (hg19) VCF-style: chr17-37619052-G-T.
Other names: c.728G>T, p.Gly243Val (NM_015083.4); short protein forms G243V.
Identifiers: ClinVar variation 4868496 (VCV004868496.1).